The following is an entry in ClinVar:

ClinVar aggregate classification (germline): Uncertain significance (1 of 4 stars; one submission).

Submission:

Labcorp Genetics (formerly Invitae), Labcorp
Classification: Uncertain significance. Last evaluated: 2023-05-20. Review status: criteria provided, single submitter. Criteria: Invitae Variant Classification Sherloc (09022015). Collection method: clinical testing. Allele origin: germline.
Comment: This sequence change replaces leucine, which is neutral and non-polar, with valine, which is neutral and non-polar, at codon 618 of the ATR protein (p.Leu618Val). In summary, the available evidence is currently insufficient to determine the role of this variant in disease. Therefore, it has been classified as a Variant of Uncertain Significance. An algorithm developed to predict the effect of missense changes on protein structure and function (PolyPhen-2) suggests that this variant is likely to be tolerated. This variant has not been reported in the literature in individuals affected with ATR-related conditions. This variant is not present in population databases (gnomAD no frequency).

NM_001184.4(ATR):c.1852C>G (p.Leu618Val)

Gene: ATR (ATR checkpoint kinase; minus strand). Cytogenetic location: 3q23.
Variant type: single nucleotide variant.
Coding change: c.1852C>G on transcript NM_001184.4 (MANE Select); coding-DNA position 1852, C replaced by G.
Protein change: p.Leu618Val; replaces leucine 618 with valine.
Molecular consequence: missense variant.
Genome position (GRCh38, 1-based): chr3:142,558,657, G>C on the plus strand (C>G on the coding strand, the complement: ATR is on the minus strand). VCF-style: chr3-142558657-G-C. GRCh37 (hg19) VCF-style: chr3-142277499-G-C.
Other names: c.1660C>G, p.Leu554Val (NM_001354579.2); short protein forms L554V, L618V.
Identifiers: ClinVar variation 2808032 (VCV002808032.3), dbSNP rs2108477298, ClinGen allele CA354820853.